The following is an entry in ClinVar:

NM_001032283.3(TMPO):c.565+1584G>C

Gene: TMPO (thymopoietin; plus strand). Cytogenetic location: 12q23.1.
Variant type: single nucleotide variant.
Coding change: c.565+1584G>C on transcript NM_001032283.3 (MANE Select); 1584 bases into the intron after coding-DNA position 565, G replaced by C.
Molecular consequence: intron variant. On other transcripts: missense variant (1).
Genome position (GRCh38, 1-based): chr12:98,533,422, G>C. VCF-style: chr12-98533422-G-C. GRCh37 (hg19) VCF-style: chr12-98927200-G-C.
Other names: c.1165G>C, p.Gly389Arg (NM_003276.2); c.565+1584G>C (NM_001307975.2, NM_001032284.3); short protein forms G389R.
Identifiers: ClinVar variation 1020275 (VCV001020275.9), dbSNP rs147002330, ClinGen allele CA6732374.

ClinVar aggregate classification (germline): Uncertain significance (1 of 4 stars; one submission).

Conditions:
Loeys-Dietz syndrome 2 (LDS2). Also called: TGFBR2-Related Loeys-Dietz Syndrome; AORTIC ANEURYSM, FAMILIAL THORACIC 3; Marfan syndrome, type 2 (formerly); MARFAN SYNDROME, TYPE II; Marfan Syndrome type 2; Marfan like connective tissue disorder. Identifiers: Orphanet 284973, Orphanet 558, MedGen C2674574, MONDO:0012427, OMIM 610168.

Allele frequency attached by ClinVar (database versions not stated): TOPMed 0.00002; ESP Exome Variant Server 0.00008; 1000 Genomes Project 30x 0.00016; 1000 Genomes Project 0.00020.
gnomAD v4.1: 45 of 1,614,160 alleles (0.0028%); highest among the groups gnomAD compares: Non-Finnish European, 0.0036%; no homozygotes.

Submission:

Labcorp Genetics (formerly Invitae), Labcorp
Classification: Uncertain significance for Loeys-Dietz syndrome 2. Last evaluated: 2024-04-10. Review status: criteria provided, single submitter. Criteria: Invitae Variant Classification Sherloc (09022015). Collection method: clinical testing. Allele origin: germline.
Comment: This sequence change replaces glycine, which is neutral and non-polar, with arginine, which is basic and polar, at codon 389 of the TMPO protein (p.Gly389Arg). This variant is present in population databases (rs147002330, gnomAD 0.009%). This variant has not been reported in the literature in individuals affected with TMPO-related conditions. ClinVar contains an entry for this variant (Variation ID: 1020275). Advanced modeling of protein sequence and biophysical properties (such as structural, functional, and spatial information, amino acid conservation, physicochemical variation, residue mobility, and thermodynamic stability) performed at Invitae indicates that this missense variant is not expected to disrupt TMPO protein function with a negative predictive value of 80%. In summary, the available evidence is currently insufficient to determine the role of this variant in disease. Therefore, it has been classified as a Variant of Uncertain Significance.